The following is an entry in ClinVar:

NM_133379.5(TTN):c.12387G>A (p.Leu4129=)

Gene: TTN (titin; minus strand). Cytogenetic location: 2q31.2.
Variant type: single nucleotide variant.
Coding change: c.12387G>A on transcript NM_133379.5; coding-DNA position 12387, G replaced by A.
Protein change: p.Leu4129=; no amino-acid change (leucine 4129 retained).
Molecular consequence: synonymous variant. On other transcripts: intron variant (6).
Genome position (GRCh38, 1-based): chr2:178,750,013, C>T on the plus strand (G>A on the coding strand, the complement: TTN is on the minus strand). VCF-style: chr2-178750013-C-T. GRCh37 (hg19) VCF-style: chr2-179614740-C-T.
Other names: c.10222+3111G>A (NM_003319.4); c.10798+3111G>A (NM_133437.4); c.10597+3111G>A (NM_133432.3); c.10360+3111G>A (NM_133378.4, NM_001256850.1); c.11311+3111G>A (NM_001267550.2); c.12387G>A (NM_133379.4).
Identifiers: ClinVar variation 166273 (VCV000166273.32), dbSNP rs142887857, ClinGen allele CA179136.

ClinVar aggregate classification (germline): Likely benign. Review status: criteria provided, multiple submitters, no conflicts (2 of 4 stars). 5 submissions from 5 submitters: Likely benign (4). 1 of the submissions does not count toward it. Last evaluated 2024-09-25.

Conditions:
TTN-related disorder. Also called: TTN-related disorders; TTN-related condition; TTN-related disease.

Allele frequency attached by ClinVar (database versions not stated): gnomAD 0.00005 and 0.00006; TOPMed 0.00005; ExAC 0.00007; gnomAD exomes 0.00008 and 0.00014; ESP Exome Variant Server 0.00031.
gnomAD v4.1: 220 of 1,613,034 alleles (0.014%); highest among the groups gnomAD compares: Non-Finnish European, 0.017%; no homozygotes.

Submissions (5):

Blueprint Genetics
Classification: Likely benign. Last evaluated: 2024-09-25. Review status: criteria provided, single submitter. Criteria: ACMG Guidelines, 2015. Collection method: clinical testing. Allele origin: germline.

CeGaT Center for Human Genetics Tuebingen
Classification: Likely benign. Last evaluated: 2024-01-01. Review status: criteria provided, single submitter. Criteria: CeGaT Center For Human Genetics Tuebingen Variant Classification Criteria Version 2. Collection method: clinical testing. Allele origin: germline. Affected: yes. Observed: 1 variant allele.
Comment: TTN: BP4, BP7

GeneDx
Classification: Likely benign. Last evaluated: 2019-09-10. Review status: criteria provided, single submitter. Criteria: GeneDx Variant Classification Process June 2021. Collection method: clinical testing. Allele origin: germline. Affected: yes.

Laboratory for Molecular Medicine, Mass General Brigham Personalized Medicine
Classification: Likely benign. Last evaluated: 2012-03-19. Review status: criteria provided, single submitter. Criteria: LMM Criteria. Collection method: clinical testing. Allele origin: germline. Observed: 1 variant allele.
Comment: Leu4129Leu in exon 45A of TTN: This variant is not expected to have clinical sig nificance because it does not alter an amino acid residue and is not located wit hin the splice consensus sequence. It has been identified in 2/7018 European Ame rican chromosomes from a broad population by the NHLBI Exome Sequencing Project (dbSNP rs142887857). Leu4129Leu in exon 45A o f TTN (rs142887857; allele frequency = 2/7018) **

PreventionGenetics, part of Exact Sciences
Classification: Likely benign for TTN-related condition. Last evaluated: 2019-08-03. Review status: no assertion criteria provided. Collection method: clinical testing. Allele origin: germline. Not counted in ClinVar's aggregate classification.
Comment: This variant is classified as likely benign based on ACMG/AMP sequence variant interpretation guidelines (Richards et al. 2015 PMID: 25741868, with internal and published modifications).